The following is an entry in ClinVar:

ClinVar aggregate classification (germline): Likely benign (0 of 4 stars; one submission).

Conditions:
ISL1-related disorder. Also called: ISL1-related condition.

Allele frequency attached by ClinVar (database versions not stated): gnomAD exomes below 0.00001; ExAC 0.00001.
gnomAD v4.1: 3 of 1,608,878 alleles (0.00019%); highest among the groups gnomAD compares: Admixed American, 0.005%; no homozygotes.

Submission:

PreventionGenetics, part of Exact Sciences
Classification: Likely benign for ISL1-related condition. Last evaluated: 2022-05-31. Review status: no assertion criteria provided. Collection method: clinical testing. Allele origin: germline.
Comment: This variant is classified as likely benign based on ACMG/AMP sequence variant interpretation guidelines (Richards et al. 2015 PMID: 25741868, with internal and published modifications).

NM_002202.3(ISL1):c.1023C>T (p.Ser341=)

Gene: ISL1 (ISL LIM homeobox 1; plus strand). Cytogenetic location: 5q11.1.
Variant type: single nucleotide variant.
Coding change: c.1023C>T on transcript NM_002202.3 (MANE Select); coding-DNA position 1023, C replaced by T.
Protein change: p.Ser341=; no amino-acid change (serine 341 retained).
Molecular consequence: synonymous variant.
Genome position (GRCh38, 1-based): chr5:51,393,583, C>T. VCF-style: chr5-51393583-C-T. GRCh37 (hg19) VCF-style: chr5-50689417-C-T.
Identifiers: ClinVar variation 3045283 (VCV003045283.2), dbSNP rs772530855, ClinGen allele CA3261148.
Genomic context (GRCh38, chr5:51,393,583, plus strand): 5'-TAATTCCACTGGCAGTGAAGTAGCATCAATGTCCTCTCAACTTCCAGATACACCTAACAG[C>T]ATGGTAGCCAGTCCTATTGAGGCATGAGGAACATTCATTCTGTATTTTTTTTCCCTGTTG-3'
Protein context (NP_002193.2, residues 331-349): MSSQLPDTPN[Ser341=]MVASPIEA